The following is an entry in ClinVar:

ClinVar aggregate classification (germline): Benign. Review status: criteria provided, multiple submitters, no conflicts (2 of 4 stars). 2 submissions from 2 submitters: Benign (2). Last evaluated 2018-01-12.

Conditions:
Stuve-Wiedemann syndrome (STWS). Also called: Stüve-Wiedemann syndrome. Identifiers: Orphanet 3206, MedGen C0796176, MONDO:0031280.

Allele frequency attached by ClinVar (database versions not stated): TOPMed 0.30275; gnomAD 0.30679 and 0.31182; 1000 Genomes Project 30x 0.31527; 1000 Genomes Project 0.31809; gnomAD exomes 0.34089.
gnomAD v4.1: 72,318 of 225,004 alleles (32%); highest among the groups gnomAD compares: East Asian, 41%; 11,951 homozygotes.

Submissions (2):

Illumina Laboratory Services, Illumina
Classification: Benign for Stüve-Wiedemann syndrome 1. Last evaluated: 2018-01-12. Review status: criteria provided, single submitter. Criteria: ICSL Variant Classification Criteria 13 December 2019. Collection method: clinical testing. Allele origin: germline.
Comment: This variant was observed in the ICSL laboratory as part of a predisposition screen in an ostensibly healthy population. It had not been previously curated by ICSL or reported in the Human Gene Mutation Database (HGMD: prior to June 1st, 2018), and was therefore a candidate for classification through an automated scoring system. Utilizing variant allele frequency, disease prevalence and penetrance estimates, and inheritance mode, an automated score was calculated to assess if this variant is too frequent to cause the disease. Based on the score and internal cut-off values, a variant classified as benign is not then subjected to further curation. The score for this variant resulted in a classification of benign for this disease.

Breakthrough Genomics
Classification: Benign. Review status: criteria provided, single submitter. Criteria: ACMG Guidelines, 2015. Collection method: not provided. Allele origin: germline. Inheritance: Autosomal recessive inheritance. Affected: yes.

NM_001127671.2(LIFR):c.*1470T>G

Gene: LIFR (LIF receptor subunit alpha; minus strand). Cytogenetic location: 5p13.1.
Variant type: single nucleotide variant.
Coding change: c.*1470T>G on transcript NM_001127671.2 (MANE Select); 1470 bases downstream of the stop codon, T replaced by G.
Molecular consequence: 3 prime UTR variant.
Genome position (GRCh38, 1-based): chr5:38,480,125, A>C on the plus strand (T>G on the coding strand, the complement: LIFR is on the minus strand). VCF-style: chr5-38480125-A-C. GRCh37 (hg19) VCF-style: chr5-38480227-A-C.
Other names: c.*1470T>G (NM_001364297.2, NM_001364298.2, NM_002310.6).
Identifiers: ClinVar variation 353584 (VCV000353584.6), dbSNP rs13156520, ClinGen allele CA10624797.
Genomic context (GRCh38, chr5:38,480,125, plus strand): 5'-ATTAATTGATCCATTATTTGCAAATACATTACAGAATCTCAGATGATAAAAAACAAACAA[A>C]CAACCAAAAAAAACAAACAAAAAAGACATATCTTATTCGGACACTTAAAATTTTCAAGTA-3'